The following is an entry in ClinVar:

NM_032242.4(PLXNA1):c.3617T>A (p.Leu1206Gln)

Gene: PLXNA1 (plexin A1; plus strand). Cytogenetic location: 3q21.3.
Variant type: single nucleotide variant.
Coding change: c.3617T>A on transcript NM_032242.4 (MANE Select); coding-DNA position 3617, T replaced by A.
Protein change: p.Leu1206Gln; replaces leucine 1206 with glutamine.
Molecular consequence: missense variant.
Genome position (GRCh38, 1-based): chr3:127,017,849, T>A. VCF-style: chr3-127017849-T-A. GRCh37 (hg19) VCF-style: chr3-126736692-T-A.
Other names: short protein forms L1206Q.
Identifiers: ClinVar variation 4991280 (VCV004991280.1).

ClinVar aggregate classification (germline): Uncertain significance (1 of 4 stars; one submission).

Conditions:
PLXNA1-related disorder. Also called: PLXNA1-related condition.

Submission:

PreventionGenetics, part of Exact Sciences
Classification: Uncertain significance for PLXNA1-related condition. Last evaluated: 2026-03-10. Review status: criteria provided, single submitter. Criteria: ACMG Guidelines, 2015. Collection method: clinical testing. Allele origin: germline.
Comment: The PLXNA1 c.3617T>A variant is predicted to result in the amino acid substitution p.Leu1206Gln. To our knowledge, this variant has not been reported in the literature. This variant is reported in 0.00092% of alleles in individuals of European (Non-Finnish) descent in gnomAD. At this time, the clinical significance of this variant is uncertain due to the absence of conclusive functional and genetic evidence.